The following is an entry in ClinVar:

ClinVar aggregate classification (germline): Uncertain significance (1 of 4 stars; one submission).

Submission:

Labcorp Genetics (formerly Invitae), Labcorp
Classification: Uncertain significance. Last evaluated: 2022-07-05. Review status: criteria provided, single submitter. Criteria: Invitae Variant Classification Sherloc (09022015). Collection method: clinical testing. Allele origin: germline.
Comment: In summary, the available evidence is currently insufficient to determine the role of this variant in disease. Therefore, it has been classified as a Variant of Uncertain Significance. Algorithms developed to predict the effect of missense changes on protein structure and function output the following: SIFT: "Tolerated"; PolyPhen-2: "Not Available"; Align-GVGD: "Class C0". The threonine amino acid residue is found in multiple mammalian species, which suggests that this missense change does not adversely affect protein function. ClinVar contains an entry for this variant (Variation ID: 1480616). This variant has not been reported in the literature in individuals affected with PCLO-related conditions. This variant is not present in population databases (gnomAD no frequency). This sequence change replaces alanine, which is neutral and non-polar, with threonine, which is neutral and polar, at codon 1205 of the PCLO protein (p.Ala1205Thr).

NM_033026.6(PCLO):c.3613G>A (p.Ala1205Thr)

Gene: PCLO (piccolo presynaptic cytomatrix protein; minus strand). Cytogenetic location: 7q21.11.
Variant type: single nucleotide variant.
Coding change: c.3613G>A on transcript NM_033026.6 (MANE Select); coding-DNA position 3613, G replaced by A.
Protein change: p.Ala1205Thr; replaces alanine 1205 with threonine.
Molecular consequence: missense variant.
Genome position (GRCh38, 1-based): chr7:82,966,175, C>T on the plus strand (G>A on the coding strand, the complement: PCLO is on the minus strand). VCF-style: chr7-82966175-C-T. GRCh37 (hg19) VCF-style: chr7-82595491-C-T.
Other names: c.3613G>A, p.Ala1205Thr (NM_014510.3); short protein forms A1205T.
Identifiers: ClinVar variation 1480616 (VCV001480616.6), dbSNP rs2115661911, ClinGen allele CA367932823.